The following is an entry in ClinVar:

NM_194318.4(B3GLCT):c.*36A>G

Gene: B3GLCT (beta 3-glucosyltransferase; plus strand). Cytogenetic location: 13q12.3.
Variant type: single nucleotide variant.
Coding change: c.*36A>G on transcript NM_194318.4 (MANE Select); 36 bases downstream of the stop codon, A replaced by G.
Molecular consequence: 3 prime UTR variant.
Genome position (GRCh38, 1-based): chr13:31,329,704, A>G. VCF-style: chr13-31329704-A-G. GRCh37 (hg19) VCF-style: chr13-31903841-A-G.
Identifiers: ClinVar variation 883099 (VCV000883099.6), dbSNP rs112937254, ClinGen allele CA6936958.
Genomic context (GRCh38, chr13:31,329,704, plus strand): 5'-GAAAGGTTTTCGAGAGGAGTTATAAATCAGGGTGACCTGTGCGCCTAGCCTGCGCAGGGA[A>G]TGAACTGGAGACTGTGGCCTCATCCCACTGTGCTGTGCTCACAACACTTGTGTCTGCCAC-3'

ClinVar aggregate classification (germline): Benign. Review status: criteria provided, multiple submitters, no conflicts (2 of 4 stars). 3 submissions from 3 submitters: Benign (3). Last evaluated 2018-07-05.

Conditions:
Peters plus syndrome. Also called: KRAUSE-KIVLIN SYNDROME. Identifiers: Orphanet 709, MedGen C0796012, MONDO:0009856, OMIM 261540.

Allele frequency attached by ClinVar (database versions not stated): TOPMed 0.13942; gnomAD 0.15315 and 0.15709; 1000 Genomes Project 0.07308; 1000 Genomes Project 30x 0.07464; gnomAD exomes 0.15983 and 0.19925; ExAC 0.16147; ESP Exome Variant Server 0.16462.
gnomAD v4.1: 312,642 of 1,610,016 alleles (19%); highest among the groups gnomAD compares: Non-Finnish European, 22%; 33,877 homozygotes.

Submissions (3):

GeneDx
Classification: Benign. Last evaluated: 2018-07-05. Review status: criteria provided, single submitter. Criteria: GeneDx Variant Classification Process June 2021. Collection method: clinical testing. Allele origin: germline. Affected: yes.

Illumina Laboratory Services, Illumina
Classification: Benign for Peters plus syndrome. Last evaluated: 2018-01-13. Review status: criteria provided, single submitter. Criteria: ICSL Variant Classification Criteria 13 December 2019. Collection method: clinical testing. Allele origin: germline.
Comment: This variant was observed in the ICSL laboratory as part of a predisposition screen in an ostensibly healthy population. It had not been previously curated by ICSL or reported in the Human Gene Mutation Database (HGMD: prior to June 1st, 2018), and was therefore a candidate for classification through an automated scoring system. Utilizing variant allele frequency, disease prevalence and penetrance estimates, and inheritance mode, an automated score was calculated to assess if this variant is too frequent to cause the disease. Based on the score and internal cut-off values, a variant classified as benign is not then subjected to further curation. The score for this variant resulted in a classification of benign for this disease.

Breakthrough Genomics
Classification: Benign. Review status: criteria provided, single submitter. Criteria: ACMG Guidelines, 2015. Collection method: not provided. Allele origin: germline. Inheritance: Autosomal recessive inheritance. Affected: yes.